The following is an entry in ClinVar:

NM_001267550.2(TTN):c.15496G>T (p.Glu5166Ter)

Gene: TTN (titin; minus strand). Cytogenetic location: 2q31.2.
Variant type: single nucleotide variant.
Coding change: c.15496G>T on transcript NM_001267550.2 (MANE Select); coding-DNA position 15496, G replaced by T.
Protein change: p.Glu5166Ter; replaces glutamic acid 5166 with a stop codon.
Molecular consequence: nonsense. On other transcripts: intron variant (3).
Genome position (GRCh38, 1-based): chr2:178,734,328, C>A on the plus strand (G>T on the coding strand, the complement: TTN is on the minus strand). VCF-style: chr2-178734328-C-A. GRCh37 (hg19) VCF-style: chr2-179599055-C-A.
Other names: c.14545G>T, p.Glu4849Ter (NM_001256850.1); c.11764G>T, p.Glu3922Ter (NM_133378.4); c.13282+3754G>T (NM_003319.4); c.13858+3754G>T (NM_133437.4); c.13657+3754G>T (NM_133432.3); short protein forms E3922*, E4849*, E5166*.
Identifiers: ClinVar variation 2027382 (VCV002027382.4), dbSNP rs979660876, ClinGen allele CA349593683.
Genomic context (GRCh38, chr2:178,734,328, plus strand): 5'-TGGGGTAAGAAAGCTAGTTTGACAATTTATTAAAGAGACATTAGTTTTTCAAGCACTAAC[C>A]TTTGAGTAAGTGGGTTGCCATGCAGCCACACTTGCCGACTTCATTAGCAACAACACATTC-3'

ClinVar aggregate classification (germline): Likely pathogenic (1 of 4 stars; one submission).

Conditions:
Dilated cardiomyopathy 1G (CMD1G). Identifiers: Orphanet 154, MedGen C1858763, MONDO:0011400, OMIM 604145.
Autosomal recessive limb-girdle muscular dystrophy type 2J (LGMDR10). Also called: Limb-girdle muscular dystrophy, type 2J; MUSCULAR DYSTROPHY, LIMB-GIRDLE, AUTOSOMAL RECESSIVE 10. Identifiers: Orphanet 140922, MedGen C1837342, MONDO:0012127, OMIM 608807.

gnomAD v4.1: 1 of 1,586,104 alleles (0.000063%); no homozygotes.

Submission:

Labcorp Genetics (formerly Invitae), Labcorp
Classification: Likely pathogenic for Dilated cardiomyopathy 1G; Autosomal recessive limb-girdle muscular dystrophy type 2J. Last evaluated: 2024-10-18. Review status: criteria provided, single submitter. Criteria: Invitae Variant Classification Sherloc (09022015). Collection method: clinical testing. Allele origin: germline.
Comment: This sequence change creates a premature translational stop signal (p.Glu5166*) in the TTN gene. While this is not anticipated to result in nonsense mediated decay, it is expected to create a truncated TTN protein. This variant is not present in population databases (gnomAD no frequency). This premature translational stop signal has been observed in individual(s) with clinical features of autosomal recessive TTN-related muscular dystrophy (internal data). ClinVar contains an entry for this variant (Variation ID: 2027382). Algorithms developed to predict the effect of sequence changes on RNA splicing suggest that this variant may disrupt the consensus splice site. This variant is located in the I band of TTN (PMID: 25589632). Truncating variants in this region have been reported in individuals affected with autosomal recessive centronuclear myopathy (PMID: 23975875, internal data). Truncating variants in this region have also been identified in individuals affected with autosomal dominant dilated cardiomyopathy and/or cardio-related conditions (PMID: 27869827, 32964742, internal data). In summary, the currently available evidence indicates that the variant is pathogenic, but additional data are needed to prove that conclusively. Therefore, this variant has been classified as Likely Pathogenic.

Literature cited by the submitters: PubMed 25589632; PubMed 23975875; PubMed 27869827; PubMed 32964742.